The following is an entry in ClinVar:

ClinVar aggregate classification (germline): Uncertain significance (1 of 4 stars; one submission).

Conditions:
Symmetrical dyschromatosis of extremities (DSH). Also called: DYSCHROMATOSIS SYMMETRICA HEREDITARIA 1; RETICULATE ACROPIGMENTATION OF DOHI; SYMMETRIC DYSCHROMATOSIS OF THE EXTREMITIES; Dyschromatosis symmetrica hereditaria. Identifiers: Orphanet 41, MedGen C0406775, MONDO:0007483, OMIM 127400.
Aicardi-Goutieres syndrome 6 (AGS6). Identifiers: Orphanet 51, MedGen C3539013, MONDO:0014007, OMIM 615010.

gnomAD v4.1: 4 of 1,614,028 alleles (0.00025%); highest among the groups gnomAD compares: Non-Finnish European, 0.00034%; no homozygotes.

Submission:

Labcorp Genetics (formerly Invitae), Labcorp
Classification: Uncertain significance for Aicardi-Goutieres syndrome 6; Symmetrical dyschromatosis of extremities. Last evaluated: 2024-08-18. Review status: criteria provided, single submitter. Criteria: Invitae Variant Classification Sherloc (09022015). Collection method: clinical testing. Allele origin: germline.
Comment: This sequence change replaces threonine, which is neutral and polar, with isoleucine, which is neutral and non-polar, at codon 235 of the ADAR protein (p.Thr235Ile). This variant is not present in population databases (gnomAD no frequency). This variant has not been reported in the literature in individuals affected with ADAR-related conditions. Experimental studies and prediction algorithms are not available or were not evaluated, and the functional significance of this variant is currently unknown. In summary, the available evidence is currently insufficient to determine the role of this variant in disease. Therefore, it has been classified as a Variant of Uncertain Significance.

NM_001111.5(ADAR):c.704C>T (p.Thr235Ile)

Gene: ADAR (adenosine deaminase RNA specific; minus strand). Cytogenetic location: 1q21.3.
Variant type: single nucleotide variant.
Coding change: c.704C>T on transcript NM_001111.5 (MANE Select); coding-DNA position 704, C replaced by T.
Protein change: p.Thr235Ile; replaces threonine 235 with isoleucine.
Molecular consequence: missense variant. On other transcripts: 5 prime UTR variant (6).
Genome position (GRCh38, 1-based): chr1:154,601,938, G>A on the plus strand (C>T on the coding strand, the complement: ADAR is on the minus strand). VCF-style: chr1-154601938-G-A. GRCh37 (hg19) VCF-style: chr1-154574414-G-A.
Other names: c.-182C>T (NM_001025107.3, NM_001193495.2, NM_001365046.1 and 3 more transcripts); c.731C>T, p.Thr244Ile (NM_001365045.1); c.704C>T, p.Thr235Ile (NM_015840.4, NM_015841.4); short protein forms T235I, T244I.
Identifiers: ClinVar variation 3757577 (VCV003757577.2).
Genomic context (GRCh38, chr1:154,601,938, plus strand): 5'-TGGTTCCAAGCCTGAGCTGAGACTGCAATAAAAGGCTCAAGAAGATCTTCTGAGACAGAT[G>A]TGGAGTTTCTGTCTTCCGGTTCCAAACTCGGGTCTGAGTTTGGGGCTCCTTGGCTATGAC-3'
Protein context (NP_001102.3, residues 225-245): PSLEPEDRNS[Thr235Ile]SVSEDLLEPF